The following is an entry in ClinVar:

ClinVar aggregate classification (germline): Uncertain significance (1 of 4 stars; one submission).

Conditions:
Inborn genetic diseases. Identifiers: MedGen C0950123, MeSH D030342.

Submission:

Ambry Genetics
Classification: Uncertain significance for Inborn genetic diseases. Last evaluated: 2025-07-19. Review status: criteria provided, single submitter. Criteria: Ambry Variant Classification Scheme 2023. Collection method: clinical testing. Allele origin: germline.
Comment: The p.M869I variant (also known as c.2607G>A), located in coding exon 11 of the MECOM gene, results from a G to A substitution at nucleotide position 2607. The methionine at codon 869 is replaced by isoleucine, an amino acid with highly similar properties. This amino acid position is conserved. In addition, this alteration is predicted to be tolerated by in silico analysis. Based on the available evidence, the clinical significance of this variant remains unclear.

NM_004991.4(MECOM):c.2607G>A (p.Met869Ile)

Gene: MECOM (MDS1 and EVI1 complex locus; minus strand). Cytogenetic location: 3q26.2.
Variant type: single nucleotide variant.
Coding change: c.2607G>A on transcript NM_004991.4 (MANE Select); coding-DNA position 2607, G replaced by A.
Protein change: p.Met869Ile; replaces methionine 869 with isoleucine.
Molecular consequence: missense variant.
Genome position (GRCh38, 1-based): chr3:169,102,224, C>T on the plus strand (G>A on the coding strand, the complement: MECOM is on the minus strand). VCF-style: chr3-169102224-C-T. GRCh37 (hg19) VCF-style: chr3-168820012-C-T.
Other names: c.2238G>A, p.Met746Ile (NM_001105077.4); c.2043G>A, p.Met681Ile (NM_001105078.4, NM_001205194.2, NM_001366469.2 and 1 more transcripts); c.2019G>A, p.Met673Ile (NM_001163999.2, NM_001366470.2); c.2016G>A, p.Met672Ile (NM_001164000.2, NM_001366471.2, NM_001366472.2); c.2580G>A, p.Met860Ile (NM_001366466.2); c.2046G>A, p.Met682Ile (NM_001366467.2, NM_001366468.2); c.1608G>A, p.Met536Ile (NM_001366473.2); c.1044G>A, p.Met348Ile (NM_001366474.2); short protein forms M673I, M681I, M682I, M860I, M536I, M672I, M746I, M348I.
Identifiers: ClinVar variation 4105783 (VCV004105783.1).